The following is an entry in ClinVar:

ClinVar aggregate classification (germline): Conflicting classifications of pathogenicity. Review status: criteria provided, conflicting classifications (1 of 4 stars). 7 submissions from 7 submitters: Uncertain significance (3); Likely benign (1). 3 of the submissions do not count toward it. Last evaluated 2026-01-06.

Conditions:
PLEC-related disorder. Also called: PLEC-related disorders; PLEC-related condition.
Epidermolysis bullosa simplex, Ogna type (EBS5A). Also called: Pidermolysis bullosa simplex 5A, Ogna type; EPIDERMOLYSIS BULLOSA SIMPLEX 5A, OGNA TYPE. Identifiers: Orphanet 79401, MedGen C0432317, MONDO:0007555, OMIM 131950.
Epidermolysis bullosa simplex 5C, with pyloric atresia (EBS5C). Also called: PLEC-Related Epidermolysis Bullosa with Pyloric Atresia; Epidermolysis bullosa simplex with pyloric atresia; PLEC1-Related Epidermolysis Bullosa with Pyloric Atresia. Identifiers: Orphanet 158684, MedGen C2677349, MONDO:0012807, OMIM 612138.
Autosomal recessive limb-girdle muscular dystrophy type 2Q (LGMDR17). Also called: MUSCULAR DYSTROPHY, LIMB-GIRDLE, AUTOSOMAL RECESSIVE 17. Identifiers: Orphanet 254361, MedGen C3150989, MONDO:0013390, OMIM 613723.
Epidermolysis bullosa simplex with nail dystrophy (EBS5D). Identifiers: MedGen C4225309, MONDO:0014661, OMIM 616487.
Epidermolysis bullosa simplex 5B, with muscular dystrophy (EBS5B). Also called: EPIDERMOLYSIS BULLOSA SIMPLEX AND LIMB-GIRDLE MUSCULAR DYSTROPHY; Epidermolysis bullosa simplex with muscular dystrophy. Identifiers: Orphanet 257, MedGen C2931072, MONDO:0009181, OMIM 226670.

Allele frequency attached by ClinVar (database versions not stated): gnomAD 0.00020 and 0.00034; TOPMed 0.00024; 1000 Genomes Project 30x 0.00062; 1000 Genomes Project 0.00080; ExAC 0.00212.
gnomAD v4.1: 510 of 1,549,390 alleles (0.033%); highest among the groups gnomAD compares: Middle Eastern, 0.28%; 2 homozygotes.

Submissions (7):

Labcorp Genetics (formerly Invitae), Labcorp
Classification: Likely benign for Autosomal recessive limb-girdle muscular dystrophy type 2Q; Epidermolysis bullosa simplex, Ogna type; Epidermolysis bullosa simplex with nail dystrophy; Epidermolysis bullosa simplex 5C, with pyloric atresia; Epidermolysis bullosa simplex 5B, with muscular dystrophy. Last evaluated: 2026-01-06. Review status: criteria provided, single submitter. Criteria: Invitae Variant Classification Sherloc (09022015). Collection method: clinical testing. Allele origin: germline.

CeGaT Center for Human Genetics Tuebingen
Classification: Uncertain significance. Last evaluated: 2017-04-01. Review status: criteria provided, single submitter. Criteria: CeGaT Center For Human Genetics Tuebingen Variant Classification Criteria Version 2. Collection method: clinical testing. Allele origin: germline. Affected: yes. Observed: 1 variant allele.

Centre for Mendelian Genomics, University Medical Centre Ljubljana
Classification: Uncertain significance for Autosomal recessive limb-girdle muscular dystrophy type 2Q. Last evaluated: 2016-01-01. Review status: criteria provided, single submitter. Criteria: ACMG Guidelines, 2015. Collection method: clinical testing. Allele origin: unknown. Affected: yes.
Comment: This variant was classified as: Uncertain significance. The following ACMG criteria were applied in classifying this variant: BP1. This variant was detected in homozygous state.

Eurofins Ntd Llc (ga)
Classification: Uncertain significance. Last evaluated: 2015-12-22. Review status: criteria provided, single submitter. Criteria: EGL Classification Definitions 2015. Collection method: clinical testing. Allele origin: germline. Observed: 2 variant alleles, 2 heterozygotes.

PreventionGenetics, part of Exact Sciences
Classification: Likely benign for PLEC-related condition. Last evaluated: 2024-03-27. Review status: no assertion criteria provided. Collection method: clinical testing. Allele origin: germline. Not counted in ClinVar's aggregate classification.
Comment: This variant is classified as likely benign based on ACMG/AMP sequence variant interpretation guidelines (Richards et al. 2015 PMID: 25741868, with internal and published modifications).

Diagnostic Laboratory, Department of Genetics, University Medical Center Groningen
Classification: Likely benign. Review status: no assertion criteria provided. Collection method: clinical testing. Allele origin: germline. Affected: yes. Study: VKGL Data-share Consensus. Not counted in ClinVar's aggregate classification.

Laboratory of Diagnostic Genome Analysis, Leiden University Medical Center (LUMC)
Classification: Likely benign. Review status: no assertion criteria provided. Collection method: clinical testing. Allele origin: germline. Affected: yes. Study: VKGL Data-share Consensus. Not counted in ClinVar's aggregate classification.

NM_201384.3(PLEC):c.4076G>A (p.Arg1359His)

Gene: PLEC (plectin; minus strand). Cytogenetic location: 8q24.3.
Variant type: single nucleotide variant.
Coding change: c.4076G>A on transcript NM_201384.3 (MANE Select); coding-DNA position 4076, G replaced by A.
Protein change: p.Arg1359His; replaces arginine 1359 with histidine.
Molecular consequence: missense variant.
Genome position (GRCh38, 1-based): chr8:143,925,853, C>T on the plus strand (G>A on the coding strand, the complement: PLEC is on the minus strand). VCF-style: chr8-143925853-C-T. GRCh37 (hg19) VCF-style: chr8-145000021-C-T.
Other names: c.4157G>A, p.Arg1386His (NM_000445.5); c.4034G>A, p.Arg1345His (NM_201378.4); c.4010G>A, p.Arg1337His (NM_201379.3); c.4487G>A, p.Arg1496His (NM_201380.4); c.3980G>A, p.Arg1327His (NM_201381.3); c.4076G>A, p.Arg1359His (NM_201382.4); c.4088G>A, p.Arg1363His (NM_201383.3); short protein forms R1327H, R1337H, R1345H, R1359H, R1363H, R1386H, R1496H.
Identifiers: ClinVar variation 196736 (VCV000196736.62), dbSNP rs574482100, ClinGen allele CA243885.
Genomic context (GRCh38, chr8:143,925,853, plus strand): 5'-TGCGCCTCGGCCAGCTGCCGCTGCTTCTCCAGCGCGGCCTCCACCTCGGCCAGCCGCTCG[C>T]GCTCCTCTGCCCGCTGCTGCTCAGCCAGCCTCTGTGGCCACAGCAGAGAGAAGAAGAGAA-3'
Protein context (NP_958786.1, residues 1349-1369): RLAEQQRAEE[Arg1359His]ERLAEVEAAL